The following is an entry in ClinVar:

ClinVar aggregate classification (germline): Uncertain significance (1 of 4 stars; one submission).

Conditions:
Dilated cardiomyopathy 1JJ (CMD1JJ). Identifiers: Orphanet 154, MedGen C3808935, MONDO:0014095, OMIM 615235.

Allele frequency attached by ClinVar (database versions not stated): gnomAD exomes below 0.00001.
gnomAD v4.1: 2 of 1,612,014 alleles (0.00012%); highest among the groups gnomAD compares: Non-Finnish European, 0.00017%; no homozygotes.

Submission:

Labcorp Genetics (formerly Invitae), Labcorp
Classification: Uncertain significance for Dilated cardiomyopathy 1JJ. Last evaluated: 2019-06-18. Review status: criteria provided, single submitter. Criteria: Invitae Variant Classification Sherloc (09022015). Collection method: clinical testing. Allele origin: germline.
Comment: In summary, the available evidence is currently insufficient to determine the role of this variant in disease. Therefore, it has been classified as a Variant of Uncertain Significance. Algorithms developed to predict the effect of missense changes on protein structure and function (SIFT, PolyPhen-2, Align-GVGD) all suggest that this variant is likely to be tolerated, but these predictions have not been confirmed by published functional studies and their clinical significance is uncertain. This variant has not been reported in the literature in individuals with LAMA4-related conditions. This variant is not present in population databases (ExAC no frequency). This sequence change replaces alanine with serine at codon 69 of the LAMA4 protein (p.Ala69Ser). The alanine residue is moderately conserved and there is a moderate physicochemical difference between alanine and serine.

NM_001105206.3(LAMA4):c.205G>T (p.Ala69Ser)

Gene: LAMA4 (laminin subunit alpha 4; minus strand). Cytogenetic location: 6q21.
Variant type: single nucleotide variant.
Coding change: c.205G>T on transcript NM_001105206.3 (MANE Select); coding-DNA position 205, G replaced by T.
Protein change: p.Ala69Ser; replaces alanine 69 with serine.
Molecular consequence: missense variant.
Genome position (GRCh38, 1-based): chr6:112,216,460, C>A on the plus strand (G>T on the coding strand, the complement: LAMA4 is on the minus strand). VCF-style: chr6-112216460-C-A. GRCh37 (hg19) VCF-style: chr6-112537661-C-A.
Other names: c.205G>T, p.Ala69Ser (NM_001105207.3, NM_002290.5); short protein forms A69S.
Identifiers: ClinVar variation 938493 (VCV000938493.9), dbSNP rs1554358730, ClinGen allele CA365518227.